The following is an entry in ClinVar:

NM_001605.3(AARS1):c.2257G>A (p.Val753Met)

Gene: AARS1 (alanyl-tRNA synthetase 1; minus strand). Cytogenetic location: 16q22.1.
Variant type: single nucleotide variant.
Coding change: c.2257G>A on transcript NM_001605.3 (MANE Select); coding-DNA position 2257, G replaced by A.
Protein change: p.Val753Met; replaces valine 753 with methionine.
Molecular consequence: missense variant.
Genome position (GRCh38, 1-based): chr16:70,255,757, C>T on the plus strand (G>A on the coding strand, the complement: AARS1 is on the minus strand). VCF-style: chr16-70255757-C-T. GRCh37 (hg19) VCF-style: chr16-70289660-C-T.
Other names: short protein forms V753M.
Identifiers: ClinVar variation 2732821 (VCV002732821.3), dbSNP rs1364964509, ClinGen allele CA396556863.

ClinVar aggregate classification (germline): Uncertain significance (1 of 4 stars; one submission).

Conditions:
Charcot-Marie-Tooth disease type 2. Also called: Charcot-Marie-Tooth type 2. Identifiers: Orphanet 64746, MedGen C0270914, MONDO:0018993.

Submission:

Labcorp Genetics (formerly Invitae), Labcorp
Classification: Uncertain significance for Charcot-Marie-Tooth disease type 2. Last evaluated: 2023-05-05. Review status: criteria provided, single submitter. Criteria: Invitae Variant Classification Sherloc (09022015). Collection method: clinical testing. Allele origin: germline.
Comment: In summary, the available evidence is currently insufficient to determine the role of this variant in disease. Therefore, it has been classified as a Variant of Uncertain Significance. Advanced modeling of protein sequence and biophysical properties (such as structural, functional, and spatial information, amino acid conservation, physicochemical variation, residue mobility, and thermodynamic stability) performed at Invitae indicates that this missense variant is not expected to disrupt AARS protein function. This variant has not been reported in the literature in individuals affected with AARS-related conditions. This variant is present in population databases (no rsID available, gnomAD 0.006%). This sequence change replaces valine, which is neutral and non-polar, with methionine, which is neutral and non-polar, at codon 753 of the AARS protein (p.Val753Met).